The following is an entry in ClinVar:

ClinVar aggregate classification (germline): Uncertain significance. Review status: criteria provided, multiple submitters, no conflicts (2 of 4 stars). 2 submissions from 2 submitters: Uncertain significance (2). Last evaluated 2026-05-22.

Conditions:
SCAPER-related disorder. Also called: SCAPER-related condition.

Submissions (2):

PreventionGenetics, part of Exact Sciences
Classification: Uncertain significance for SCAPER-related condition. Last evaluated: 2026-05-22. Review status: criteria provided, single submitter. Criteria: ACMG Guidelines, 2015. Collection method: clinical testing. Allele origin: germline.
Comment: The SCAPER c.19C>T variant is predicted to result in the amino acid substitution p.Arg7Cys. To our knowledge, this variant has not been reported in the literature. This variant is reported in 0.013% of alleles in individuals of European (Non-Finnish) descent in gnomAD. At this time, the clinical significance of this variant is uncertain due to the absence of conclusive functional and genetic evidence.

Blueprint Genetics
Classification: Uncertain significance. Last evaluated: 2024-01-02. Review status: criteria provided, single submitter. Criteria: ACMG Guidelines, 2015. Collection method: clinical testing. Allele origin: germline.

NM_020843.4(SCAPER):c.19C>T (p.Arg7Cys)

Gene: SCAPER (S-phase cyclin A associated protein in the ER; minus strand). Cytogenetic location: 15q24.3.
Variant type: single nucleotide variant.
Coding change: c.19C>T on transcript NM_020843.4 (MANE Select); coding-DNA position 19, C replaced by T.
Protein change: p.Arg7Cys; replaces arginine 7 with cysteine.
Molecular consequence: missense variant. On other transcripts: 5 prime UTR variant (3), non-coding transcript variant (1).
Genome position (GRCh38, 1-based): chr15:76,862,521, G>A on the plus strand (C>T on the coding strand, the complement: SCAPER is on the minus strand). VCF-style: chr15-76862521-G-A. GRCh37 (hg19) VCF-style: chr15-77154862-G-A.
Other names: c.19C>T, p.Arg7Cys (NM_001353009.2); c.-439C>T (NM_001353010.2); c.-502C>T (NM_001353011.2); c.-384C>T (NM_001353012.2); c.19C>T (NM_001353009.1); short protein forms R7C.
Identifiers: ClinVar variation 4926037 (VCV004926037.2).